The following is an entry in ClinVar:

ClinVar aggregate classification (germline): Uncertain significance (1 of 4 stars; one submission).

Submission:

GeneDx
Classification: Uncertain significance. Last evaluated: 2023-01-16. Review status: criteria provided, single submitter. Criteria: GeneDx Variant Classification Process June 2021. Collection method: clinical testing. Allele origin: germline. Affected: yes.
Comment: Not observed at significant frequency in large population cohorts (gnomAD); In-frame deletion of 1 amino acids in a non-repeat region; In silico analysis supports a deleterious effect on protein structure/function; Has not been previously published as pathogenic or benign to our knowledge

NM_021120.4(DLG3):c.2204_2206del (p.Gln735del)

Gene: DLG3 (discs large MAGUK scaffold protein 3; plus strand). Cytogenetic location: Xq13.1.
Variant type: Deletion.
Coding change: c.2204_2206del on transcript NM_021120.4 (MANE Select); coding-DNA positions 2204 to 2206, 3 bases deleted (AAC; older notation c.2204_2206delAAC).
Protein change: p.Gln735del; deletes glutamine 735.
Molecular consequence: inframe deletion.
Genome position (GRCh38, 1-based): chrX:70,500,529-70,500,531, AAC deleted; deleting any 3 consecutive bases within chrX:70,500,527-70,500,531 gives the same sequence; the c. name uses the placement nearest the transcript's 3' end. VCF-style (leftmost placement, unchanged base first): chrX-70500526-CACA-C. GRCh37 (hg19) VCF-style: chrX-69720376-CACA-C.
Other names: c.851_853del, p.Gln284del (NM_001166278.2); c.1289_1291del, p.Gln430del (NM_020730.3); short protein forms Q284del, Q430del, Q735del.
Identifiers: ClinVar variation 2572904 (VCV002572904.1), dbSNP rs2519891497, ClinGen allele CA2580612345.